The following is an entry in ClinVar:

ClinVar aggregate classification (germline): Likely pathogenic (1 of 4 stars; one submission).

Conditions:
Microphthalmia, syndromic 12 (MCOPS12). Also called: MICROPHTHALMIA WITH OR WITHOUT PULMONARY HYPOPLASIA, DIAPHRAGMATIC HERNIA, AND/OR CARDIAC DEFECTS. Identifiers: Orphanet 2470, Orphanet 689829, MedGen C3809803, MONDO:0014229, OMIM 615524.

Submission:

Department of Human Genetics, Hannover Medical School
Classification: Likely pathogenic for Microphthalmia, syndromic 12. Last evaluated: 2026-05-20. Review status: criteria provided, single submitter. Criteria: ACMG Guidelines, 2015. Collection method: clinical testing. Allele origin: germline. Affected: yes.
Comment: ACMG/SVI: PS2_Supporting, PS3_Supporting, PM1, PM2_Supporting, PP2

NM_000965.5(RARB):c.842A>T (p.Asp281Val)

Genes: RARB (retinoic acid receptor beta; plus strand), TOP2B (DNA topoisomerase II beta; minus strand). Cytogenetic location: 3p24.2.
Variant type: single nucleotide variant.
Coding change: c.842A>T on transcript NM_000965.5 (MANE Select); coding-DNA position 842, A replaced by T.
Protein change: p.Asp281Val; replaces aspartic acid 281 with valine.
Molecular consequence: missense variant. On other transcripts: non-coding transcript variant (1), intron variant (1).
Genome position (GRCh38, 1-based): chr3:25,593,558, A>T. VCF-style: chr3-25593558-A-T. GRCh37 (hg19) VCF-style: chr3-25635049-A-T.
Other names: c.863A>T, p.Asp288Val (NM_001290216.3); c.506A>T, p.Asp169Val (NM_001290217.2, NM_001290276.2, NM_016152.4); c.695A>T, p.Asp232Val (NM_001290266.2); c.713A>T, p.Asp238Val (NM_001290300.2); c.787-83A>T (NM_001290277.1); short protein forms D169V, D232V, D238V, D281V, D288V.
Identifiers: ClinVar variation 4850984 (VCV004850984.1).